The following is an entry in ClinVar:

ClinVar aggregate classification (germline): Uncertain significance. Review status: criteria provided, single submitter (1 of 4 stars). 2 submissions from 1 submitter: Uncertain significance (2). Last evaluated 2019-07-05.

Conditions:
Choanal atresia-athelia-hypothyroidism-delayed puberty-short stature syndrome (BCAHH). Also called: BRANCHIAL ARCH ABNORMALITIES, CHOANAL ATRESIA, ATHELIA, HEARING LOSS, AND HYPOTHYROIDISM SYNDROME. Identifiers: Orphanet 589856, MedGen C5680310, MONDO:0035651, OMIM 620186.
Kabuki syndrome 1 (KABUK1). Also called: KMT2D-Related Kabuki Syndrome. Identifiers: Orphanet 2322, MedGen CN030661, MONDO:0007843, OMIM 147920.

Allele frequency attached by ClinVar (database versions not stated): gnomAD exomes below 0.00001; ExAC 0.00002.
gnomAD v4.1: 3 of 1,613,310 alleles (0.00019%); highest among the groups gnomAD compares: Non-Finnish European, 0.00025%; no homozygotes.

Submissions (2):

Center for Genomics, Ann and Robert H. Lurie Children's Hospital of Chicago
Classification: Uncertain significance for Kabuki syndrome 1. Last evaluated: 2019-07-05. Review status: criteria provided, single submitter. Criteria: ACMG Guidelines, 2015. Collection method: clinical testing. Allele origin: germline.
Comment: KMT2D NM_003482.3 exon 38 p.Arg3547His (c.10640G>A): This variant has not been reported in the literature and is not present in large control databases. Evolutionary conservation and computational predictive tools suggest that this variant may impact the protein. In summary, data on this variant is insufficient for disease classification. Therefore, the clinical significance of this variant is uncertain.

Center for Genomics, Ann and Robert H. Lurie Children's Hospital of Chicago
Classification: Uncertain significance for Choanal atresia-athelia-hypothyroidism-delayed puberty-short stature syndrome; Kabuki syndrome 1. Review status: criteria provided, single submitter. Criteria: ACMG Guidelines, 2015. Collection method: clinical testing. Allele origin: germline.
Comment: the same text as in the submission from Center for Genomics, Ann and Robert H. Lurie Children's Hospital of Chicago above.

NM_003482.4(KMT2D):c.10640G>A (p.Arg3547His)

Gene: KMT2D (lysine methyltransferase 2D; minus strand). Cytogenetic location: 12q13.12.
Variant type: single nucleotide variant.
Coding change: c.10640G>A on transcript NM_003482.4 (MANE Select); coding-DNA position 10640, G replaced by A.
Protein change: p.Arg3547His; replaces arginine 3547 with histidine.
Molecular consequence: missense variant.
Genome position (GRCh38, 1-based): chr12:49,034,167, C>T on the plus strand (G>A on the coding strand, the complement: KMT2D is on the minus strand). VCF-style: chr12-49034167-C-T. GRCh37 (hg19) VCF-style: chr12-49427950-C-T.
Other names: short protein forms R3547H.
Identifiers: ClinVar variation 827983 (VCV000827983.3), dbSNP rs775632051, ClinGen allele CA6546459.